The following is an entry in ClinVar:

ClinVar aggregate classification (germline): Uncertain significance (1 of 4 stars; one submission).

gnomAD v4.1: 1 of 1,608,734 alleles (0.000062%); highest among the groups gnomAD compares: Non-Finnish European, 0.000085%; no homozygotes.

Submission:

Labcorp Genetics (formerly Invitae), Labcorp
Classification: Uncertain significance. Last evaluated: 2025-04-18. Review status: criteria provided, single submitter. Criteria: Invitae Variant Classification Sherloc (09022015). Collection method: clinical testing. Allele origin: germline.
Comment: This sequence change replaces serine, which is neutral and polar, with cysteine, which is neutral and slightly polar, at codon 199 of the PACS2 protein (p.Ser199Cys). This variant is not present in population databases (gnomAD no frequency). This variant has not been reported in the literature in individuals affected with PACS2-related conditions. An algorithm developed to predict the effect of missense changes on protein structure and function (PolyPhen-2) suggests that this variant is likely to be disruptive. In summary, the available evidence is currently insufficient to determine the role of this variant in disease. Therefore, it has been classified as a Variant of Uncertain Significance.

NM_001100913.3(PACS2):c.596C>G (p.Ser199Cys)

Gene: PACS2 (phosphofurin acidic cluster sorting protein 2; plus strand). Cytogenetic location: 14q32.33.
Variant type: single nucleotide variant.
Coding change: c.596C>G on transcript NM_001100913.3 (MANE Select); coding-DNA position 596, C replaced by G.
Protein change: p.Ser199Cys; replaces serine 199 with cysteine.
Molecular consequence: missense variant.
Genome position (GRCh38, 1-based): chr14:105,368,083, C>G. VCF-style: chr14-105368083-C-G. GRCh37 (hg19) VCF-style: chr14-105834420-C-G.
Other names: c.395C>G, p.Ser132Cys (NM_001243127.3); c.596C>G, p.Ser199Cys (NM_015197.4); short protein forms S132C, S199C.
Identifiers: ClinVar variation 4765149 (VCV004765149.1).